The following is an entry in ClinVar:

ClinVar aggregate classification (germline): Pathogenic (1 of 4 stars; one submission).

Conditions:
KBG syndrome (KBGS). Also called: ANKRD11-Related KBG Syndrome. Identifiers: Orphanet 2332, MedGen C0220687, MONDO:0007846, OMIM 148050.

Submission:

Victorian Clinical Genetics Services, Murdoch Childrens Research Institute
Classification: Pathogenic for KBG syndrome. Last evaluated: 2020-10-19. Review status: criteria provided, single submitter. Criteria: ACMG Guidelines, 2015. Collection method: clinical testing. Allele origin: germline. Inheritance: Autosomal dominant inheritance. Affected: yes.
Comment: Based on the classification scheme VCGS_Germline_v1.1.1, this variant is classified as Pathogenic. Following criteria are met: 0102 - Loss-of-function is a known mechanism of disease for this gene. (N) 0107 - This gene is known to be associated with autosomal dominant disease. (N) 0201 - Variant is predicted to cause nonsense-mediated decay (NMD) and loss of protein (exon 9 of 13). (P) 0251 - Variant is heterozygous. (N) 0301 - Variant is absent from gnomAD. (P) 0701 - Comparable variants have very strong previous evidence for pathogenicity. Many variants also predicted to result in NMD, have been reported in patients with KBG syndrome (Decipher, OMIM, PMID: 29258554). (P) 0807 - Variant has not previously been reported in a clinical context. (N) 0905 - No segregation evidence has been identified for this variant. (N) 1007 - No published functional evidence has been identified for this variant. (P) Legend: (P) - Pathogenic, (N) - Neutral, (B) - Benign

Literature cited by the submitters: PubMed 29258554.

NM_013275.6(ANKRD11):c.7290C>G (p.Tyr2430Ter)

Gene: ANKRD11 (ankyrin repeat domain 11; minus strand). Cytogenetic location: 16q24.3.
Variant type: single nucleotide variant.
Coding change: c.7290C>G on transcript NM_013275.6 (MANE Select); coding-DNA position 7290, C replaced by G.
Protein change: p.Tyr2430Ter; replaces tyrosine 2430 with a stop codon.
Molecular consequence: nonsense.
Genome position (GRCh38, 1-based): chr16:89,279,252, G>C on the plus strand (C>G on the coding strand, the complement: ANKRD11 is on the minus strand). VCF-style: chr16-89279252-G-C. GRCh37 (hg19) VCF-style: chr16-89345660-G-C.
Other names: c.7290C>G, p.Tyr2430Ter (NM_001256182.2, NM_001256183.2); short protein forms Y2430*.
Identifiers: ClinVar variation 1806261 (VCV001806261.1), dbSNP rs766583993, ClinGen allele CA397148689.